The following is an entry in ClinVar:

ClinVar aggregate classification (germline): Uncertain significance (1 of 4 stars; one submission).

Conditions:
Long QT syndrome (LQTS). Identifiers: MedGen C0023976, MeSH D008133, MONDO:0002442. Disease mechanism: loss of function. Inheritance: Various modes of inheritance.

Submission:

Labcorp Genetics (formerly Invitae), Labcorp
Classification: Uncertain significance for Long QT syndrome. Last evaluated: 2021-06-01. Review status: criteria provided, single submitter. Criteria: Invitae Variant Classification Sherloc (09022015). Collection method: clinical testing. Allele origin: germline.
Comment: This sequence change replaces proline with serine at codon 133 of the ANK2 protein (p.Pro133Ser). The proline residue is highly conserved and there is a moderate physicochemical difference between proline and serine. This variant is not present in population databases (ExAC no frequency). This variant has not been reported in the literature in individuals with ANK2-related conditions. Algorithms developed to predict the effect of missense changes on protein structure and function are either unavailable or do not agree on the potential impact of this missense change (SIFT: "Deleterious"; PolyPhen-2: "Probably Damaging"; Align-GVGD: "Class C0"). In summary, the available evidence is currently insufficient to determine the role of this variant in disease. Therefore, it has been classified as a Variant of Uncertain Significance.

NM_001148.6(ANK2):c.397C>T (p.Pro133Ser)

Gene: ANK2 (ankyrin 2; plus strand). Cytogenetic location: 4q26.
Variant type: single nucleotide variant.
Coding change: c.397C>T on transcript NM_001148.6 (MANE Select); coding-DNA position 397, C replaced by T.
Protein change: p.Pro133Ser; replaces proline 133 with serine.
Molecular consequence: missense variant.
Genome position (GRCh38, 1-based): chr4:113,232,173, C>T. VCF-style: chr4-113232173-C-T. GRCh37 (hg19) VCF-style: chr4-114153329-C-T.
Other names: c.334C>T, p.Pro112Ser (NM_001127493.3, NM_001354239.2, NM_001354255.2 and 33 more transcripts); c.397C>T, p.Pro133Ser (NM_001354225.2, NM_001354228.2, NM_001354232.2 and 9 more transcripts); c.442C>T, p.Pro148Ser (NM_001354230.2, NM_001354231.2, NM_001354237.2 and 5 more transcripts); c.379C>T, p.Pro127Ser (NM_001354261.2, NM_001386147.1, NM_001386160.1); c.385C>T, p.Pro129Ser (NM_001386148.2, NM_001386186.2, NM_001386187.2 and 1 more transcripts); c.448C>T, p.Pro150Ser (NM_001386174.1, NM_001386175.1); short protein forms P133S, P127S, P129S, P148S, P112S, P150S.
Identifiers: ClinVar variation 1520852 (VCV001520852.8), dbSNP rs1275075425, ClinGen allele CA357914191.